The following is an entry in ClinVar:

ClinVar aggregate classification (germline): Uncertain significance. Review status: criteria provided, multiple submitters, no conflicts (2 of 4 stars). 2 submissions from 2 submitters: Uncertain significance (2). Last evaluated 2024-04-25.

Conditions:
Hypertrophic cardiomyopathy. Also called: HYPERTROPHIC MYOCARDIOPATHY. Identifiers: Orphanet 217569, MedGen C0007194, MeSH D002312, MONDO:0005045, HP:0001639.

Submissions (2):

All of Us Research Program, National Institutes of Health
Classification: Uncertain significance for Hypertrophic cardiomyopathy. Last evaluated: 2024-04-25. Review status: criteria provided, single submitter. Criteria: ACMG Guidelines, 2015. Collection method: clinical testing. Allele origin: germline. Inheritance: Autosomal dominant inheritance. Observed: 1 variant allele, 1 heterozygote.
Comment: This variant causes an A to G nucleotide substitution at the +3 position of intron 2 of the TPM1 gene. To our knowledge, RNA studies have not been reported for this variant. This variant has been reported in one individual affected with hypertrophic cardiomyopathy (PMID: 21839045); this individual also carried a likely pathogenic variant in the MYH7 gene. This variant has not been identified in the general population by the Genome Aggregation Database (gnomAD). The available evidence is insufficient to determine the role of this variant in disease conclusively. Therefore, this variant is classified as a Variant of Uncertain Significance.

This study involves interpretation of variants in research participants for the purpose of population health screening. Participant phenotype was not available at the time of variant classification. Additional details can be found in publication PMID: 35346344, PMCID: PMC8962531

Labcorp Genetics (formerly Invitae), Labcorp
Classification: Uncertain significance for Hypertrophic cardiomyopathy. Last evaluated: 2022-12-06. Review status: criteria provided, single submitter. Criteria: Invitae Variant Classification Sherloc (09022015). Collection method: clinical testing. Allele origin: germline.
Comment: This sequence change falls in intron 2 of the TPM1 gene. It does not directly change the encoded amino acid sequence of the TPM1 protein. It affects a nucleotide within the consensus splice site. This variant is not present in population databases (gnomAD no frequency). This variant has been observed in individual(s) with hypertrophic cardiomyopathy (PMID: 21839045). This variant is also known as IVS2+3A>G. ClinVar contains an entry for this variant (Variation ID: 1522626). In summary, the available evidence is currently insufficient to determine the role of this variant in disease. Therefore, it has been classified as a Variant of Uncertain Significance. Variants that disrupt the consensus splice site are a relatively common cause of aberrant splicing (PMID: 17576681, 9536098). Algorithms developed to predict the effect of sequence changes on RNA splicing suggest that this variant is not likely to affect RNA splicing.

Literature cited by the submitters: PubMed 21839045 (cited by All of Us Research Program, National Institutes of Health and Labcorp Genetics (formerly Invitae), Labcorp); PubMed 17576681 (cited by Labcorp Genetics (formerly Invitae), Labcorp); PubMed 9536098 (cited by Labcorp Genetics (formerly Invitae), Labcorp).

NM_001018005.2(TPM1):c.240+3A>G

Gene: TPM1 (tropomyosin 1; plus strand). Cytogenetic location: 15q22.2.
Variant type: single nucleotide variant.
Coding change: c.240+3A>G on transcript NM_001018005.2 (MANE Select); 3 bases into the intron after coding-DNA position 240, A replaced by G.
Molecular consequence: intron variant.
Genome position (GRCh38, 1-based): chr15:63,044,155, A>G. VCF-style: chr15-63044155-A-G. GRCh37 (hg19) VCF-style: chr15-63336354-A-G.
Other names: c.366+3A>G (NM_001365778.1); c.240+324A>G (NM_001018020.2, NM_001018007.2, NM_001301244.2); c.240+3A>G (NM_001018006.2, NM_001365776.1, NM_001018004.2 and 3 more transcripts).
Identifiers: ClinVar variation 1522626 (VCV001522626.7), dbSNP rs1555403436, ClinGen allele CA2573151029.